The following is an entry in ClinVar:

NM_000090.4(COL3A1):c.3125C>T (p.Ala1042Val)

Gene: COL3A1 (collagen type III alpha 1 chain; plus strand). Cytogenetic location: 2q32.2.
Variant type: single nucleotide variant.
Coding change: c.3125C>T on transcript NM_000090.4 (MANE Select); coding-DNA position 3125, C replaced by T.
Protein change: p.Ala1042Val; replaces alanine 1042 with valine.
Molecular consequence: missense variant.
Genome position (GRCh38, 1-based): chr2:189,006,376, C>T. VCF-style: chr2-189006376-C-T. GRCh37 (hg19) VCF-style: chr2-189871102-C-T.
Other names: short protein forms A1042V.
Identifiers: ClinVar variation 3070233 (VCV003070233.1), dbSNP rs1311632979, ClinGen allele CA349845070.
Genomic context (GRCh38, chr2:189,006,376, plus strand): 5'-TTATTTTGTACCTATGAATTTGTTCACAGGGTGATCGTGGTGAAAATGGCTCTCCTGGTG[C>T]CCCTGGCGCTCCTGGTCATCCAGGCCCACCTGGTCCTGTCGGTCCAGCTGGAAAGAGTGG-3'
Protein context (NP_000081.2, residues 1032-1052): GDRGENGSPG[Ala1042Val]PGAPGHPGPP

ClinVar aggregate classification (germline): Uncertain significance (1 of 4 stars; one submission).

Conditions:
Ehlers-Danlos syndrome, type 4 (EDSVASC). Also called: Ehlers-Danlos Syndrome Type IV; Ehlers-Danlos syndrome vascular type; Ehlers Danlos syndrome, ecchymotic type; Ehlers Danlos syndrome, arterial type; Ehlers Danlos syndrome, Sack-Barabas type. Identifiers: Orphanet 286, MedGen C0268338, MONDO:0017314, OMIM 130050.

Allele frequency attached by ClinVar (database versions not stated): TOPMed below 0.00001; gnomAD 0.00001.
gnomAD v4.1: 3 of 1,613,992 alleles (0.00019%); highest among the groups gnomAD compares: Non-Finnish European, 0.00025%; no homozygotes.

Submission:

All of Us Research Program, National Institutes of Health
Classification: Uncertain significance for Ehlers-Danlos syndrome, type 4. Last evaluated: 2023-04-03. Review status: criteria provided, single submitter. Criteria: ACMG Guidelines, 2015. Collection method: clinical testing. Allele origin: germline. Inheritance: Autosomal dominant inheritance. Observed: 2 variant alleles, 2 heterozygotes.
Comment: This missense variant replaces alanine with valine at codon 1042 of the COL3A1 protein. Computational prediction suggests that this variant may not impact protein structure and function (internally defined REVEL score threshold <= 0.5, PMID: 27666373). To our knowledge, functional studies have not been reported for this variant. This variant has not been reported in individuals affected with COL3A1-related disorders in the literature. This variant has been identified in 2/31372 chromosomes in the general population by the Genome Aggregation Database (gnomAD). The available evidence is insufficient to determine the role of this variant in disease conclusively. Therefore, this variant is classified as a Variant of Uncertain Significance.

This study involves interpretation of variants in research participants for the purpose of population health screening. Participant phenotype was not available at the time of variant classification. Additional details can be found in publication PMID: 35346344, PMCID: PMC8962531